The following is an entry in ClinVar:

ClinVar aggregate classification (germline): Uncertain significance. Review status: criteria provided, multiple submitters, no conflicts (2 of 4 stars). 2 submissions from 2 submitters: Uncertain significance (2). Last evaluated 2024-05-30.

Allele frequency attached by ClinVar (database versions not stated): TOPMed below 0.00001.
gnomAD v4.1: 1 of 1,614,126 alleles (0.000062%); highest among the groups gnomAD compares: Admixed American, 0.0017%; no homozygotes.

Submissions (2):

Ambry Genetics
Classification: Uncertain significance. Last evaluated: 2024-05-30. Review status: criteria provided, single submitter. Criteria: Ambry Variant Classification Scheme 2023. Collection method: clinical testing. Allele origin: germline.

Labcorp Genetics (formerly Invitae), Labcorp
Classification: Uncertain significance. Last evaluated: 2024-01-22. Review status: criteria provided, single submitter. Criteria: Invitae Variant Classification Sherloc (09022015). Collection method: clinical testing. Allele origin: germline.
Comment: This sequence change replaces valine, which is neutral and non-polar, with phenylalanine, which is neutral and non-polar, at codon 79 of the ANLN protein (p.Val79Phe). This variant is not present in population databases (gnomAD no frequency). This variant has not been reported in the literature in individuals affected with ANLN-related conditions. An algorithm developed to predict the effect of missense changes on protein structure and function (PolyPhen-2) suggests that this variant is likely to be disruptive. In summary, the available evidence is currently insufficient to determine the role of this variant in disease. Therefore, it has been classified as a Variant of Uncertain Significance.

NM_018685.5(ANLN):c.235G>T (p.Val79Phe)

Gene: ANLN (anillin, actin binding protein; plus strand). Cytogenetic location: 7p14.2.
Variant type: single nucleotide variant.
Coding change: c.235G>T on transcript NM_018685.5 (MANE Select); coding-DNA position 235, G replaced by T.
Protein change: p.Val79Phe; replaces valine 79 with phenylalanine.
Molecular consequence: missense variant.
Genome position (GRCh38, 1-based): chr7:36,399,141, G>T. VCF-style: chr7-36399141-G-T. GRCh37 (hg19) VCF-style: chr7-36438750-G-T.
Other names: c.235G>T (NM_018685.2); c.235G>T, p.Val79Phe (NM_001284301.3, NM_001284302.3); short protein forms V79F.
Identifiers: ClinVar variation 2975734 (VCV002975734.4), dbSNP rs1459424834, ClinGen allele CA367204258.
Genomic context (GRCh38, chr7:36,399,141, plus strand): 5'-AAATCTTGTACAAAACCATCGCCATCAAAAAAACGCTGTTCTGACAACACTGAAGTAGAA[G>T]TTTCTAACTTGGAAAATAAACAACCAGTTGAGTCGACATCTGCAAAATCTTGTTCTCCAA-3'
Protein context (NP_061155.2, residues 69-89): KRCSDNTEVE[Val79Phe]SNLENKQPVE